The following is an entry in ClinVar:

ClinVar aggregate classification (germline): Uncertain significance (0 of 4 stars; one submission).

Conditions:
MAP1B-related disorder. Also called: MAP1B-related condition.

gnomAD v4.1: 4 of 1,614,048 alleles (0.00025%); highest among the groups gnomAD compares: African/African-American, 0.0053%; no homozygotes.

Submission:

PreventionGenetics, part of Exact Sciences
Classification: Uncertain significance for MAP1B-related condition. Last evaluated: 2024-06-14. Review status: no assertion criteria provided. Collection method: clinical testing. Allele origin: germline.
Comment: The MAP1B c.4315C>T variant is predicted to result in the amino acid substitution p.Pro1439Ser. To our knowledge, this variant has not been reported in the literature or in a large population database, indicating this variant is rare. At this time, the clinical significance of this variant is uncertain due to the absence of conclusive functional and genetic evidence.

NM_005909.5(MAP1B):c.4315C>T (p.Pro1439Ser)

Gene: MAP1B (microtubule associated protein 1B; plus strand). Cytogenetic location: 5q13.2.
Variant type: single nucleotide variant.
Coding change: c.4315C>T on transcript NM_005909.5 (MANE Select); coding-DNA position 4315, C replaced by T.
Protein change: p.Pro1439Ser; replaces proline 1439 with serine.
Molecular consequence: missense variant.
Genome position (GRCh38, 1-based): chr5:72,197,670, C>T. VCF-style: chr5-72197670-C-T. GRCh37 (hg19) VCF-style: chr5-71493497-C-T.
Other names: c.3937C>T, p.Pro1313Ser (NM_001324255.2); short protein forms P1313S, P1439S.
Identifiers: ClinVar variation 3353716 (VCV003353716.1).